The following is an entry in ClinVar:

NM_000540.3(RYR1):c.4049G>A (p.Gly1350Glu)

Gene: RYR1 (ryanodine receptor 1; plus strand). Cytogenetic location: 19q13.2.
Variant type: single nucleotide variant.
Coding change: c.4049G>A on transcript NM_000540.3 (MANE Select); coding-DNA position 4049, G replaced by A.
Protein change: p.Gly1350Glu; replaces glycine 1350 with glutamic acid.
Molecular consequence: missense variant.
Genome position (GRCh38, 1-based): chr19:38,473,660, G>A. VCF-style: chr19-38473660-G-A. GRCh37 (hg19) VCF-style: chr19-38964300-G-A.
Other names: c.4049G>A, p.Gly1350Glu (NM_001042723.2); short protein forms G1350E.
Identifiers: ClinVar variation 4757633 (VCV004757633.1).

ClinVar aggregate classification (germline): Uncertain significance (1 of 4 stars; one submission).

Conditions:
Malignant hyperthermia, susceptibility to, 1 (MHS1). Also called: RYR1-Related Malignant Hyperthermia Susceptibility; Malignant hyperthermia suceptibility 1; Anesthesia related hyperthermia; Malignant hyperpyrexia; Fulminating hyperpyrexia; Pharmacogenic myopathy. Identifiers: Orphanet 423, MedGen C2930980, MONDO:0007783, OMIM 145600.

Submission:

Color Diagnostics, LLC DBA Color Health
Classification: Uncertain significance for Malignant hyperthermia, susceptibility to, 1. Last evaluated: 2025-07-07. Review status: criteria provided, single submitter. Criteria: ACMG Guidelines, 2015. Collection method: clinical testing. Allele origin: germline.
Comment: This missense variant replaces glycine with glutamic acid at codon 1350 of the RYR1 protein. Computational prediction suggests that this variant may not impact protein structure and function. To our knowledge, functional studies have not been reported for this variant. This variant has not been reported in individuals affected with RYR1-related disorders in the literature. This variant has not been identified in the general population by the Genome Aggregation Database (gnomAD). The available evidence is insufficient to determine the role of this variant in disease conclusively. Therefore, this variant is classified as a Variant of Uncertain Significance.